The following is an entry in ClinVar:

NM_001364171.2(ODAD1):c.1022T>A (p.Ile341Asn)

Gene: ODAD1 (outer dynein arm docking complex subunit 1; minus strand). Cytogenetic location: 19q13.33.
Variant type: single nucleotide variant.
Coding change: c.1022T>A on transcript NM_001364171.2 (MANE Select); coding-DNA position 1022, T replaced by A.
Protein change: p.Ile341Asn; replaces isoleucine 341 with asparagine.
Molecular consequence: missense variant.
Genome position (GRCh38, 1-based): chr19:48,303,062, A>T on the plus strand (T>A on the coding strand, the complement: ODAD1 is on the minus strand). VCF-style: chr19-48303062-A-T. GRCh37 (hg19) VCF-style: chr19-48806319-A-T.
Other names: c.911T>A, p.Ile304Asn (NM_144577.4); short protein forms I304N, I341N.
Identifiers: ClinVar variation 2505051 (VCV002505051.2), dbSNP rs773411120, ClinGen allele CA9548862.
Genomic context (GRCh38, chr19:48,303,062, plus strand): 5'-GCCTCACTCACCTCCTTGATCTCTTCCTGCACATGCTCCAGCTCCAAGTTCTGCTCGTTG[A>T]TGAAGTTGAACTCAGCAAAGTTGCGCTCCTCGACTGGGAGAGTTGGGCAAGGCGGGGCCC-3'
Protein context (NP_001351100.1, residues 331-351): EERNFAEFNF[Ile341Asn]NEQNLELEHV

ClinVar aggregate classification (germline): Uncertain significance. Review status: criteria provided, multiple submitters, no conflicts (2 of 4 stars). 2 submissions from 2 submitters: Uncertain significance (2). Last evaluated 2024-07-30.

Conditions:
Primary ciliary dyskinesia. Also called: Ciliary dyskinesia. Identifiers: Orphanet 244, MedGen C0008780, MONDO:0016575, HP:0012265.

Allele frequency attached by ClinVar (database versions not stated): gnomAD 0.00001; gnomAD exomes 0.00001; ExAC 0.00002.
gnomAD v4.1: 17 of 1,614,016 alleles (0.0011%); highest among the groups gnomAD compares: Admixed American, 0.0017%; no homozygotes.

Submissions (2):

Ambry Genetics
Classification: Uncertain significance for Primary ciliary dyskinesia. Last evaluated: 2024-07-30. Review status: criteria provided, single submitter. Criteria: Ambry Variant Classification Scheme 2023. Collection method: clinical testing. Allele origin: germline.
Comment: The p.I304N variant (also known as c.911T>A), located in coding exon 8 of the CCDC114 gene, results from a T to A substitution at nucleotide position 911. The isoleucine at codon 304 is replaced by asparagine, an amino acid with dissimilar properties. This amino acid position is conserved. In addition, this alteration is predicted to be tolerated by in silico analysis. Based on the available evidence, the clinical significance of this variant remains unclear.

GeneDx
Classification: Uncertain significance. Last evaluated: 2022-12-09. Review status: criteria provided, single submitter. Criteria: GeneDx Variant Classification Process June 2021. Collection method: clinical testing. Allele origin: germline. Affected: yes.
Comment: In silico analysis supports that this missense variant has a deleterious effect on protein structure/function; Has not been previously published as pathogenic or benign to our knowledge